The following is an entry in ClinVar:

NM_001363711.2(DUOX2):c.2806C>G (p.Arg936Gly)

Gene: DUOX2 (dual oxidase 2; minus strand). Cytogenetic location: 15q21.1.
Variant type: single nucleotide variant.
Coding change: c.2806C>G on transcript NM_001363711.2 (MANE Select); coding-DNA position 2806, C replaced by G.
Protein change: p.Arg936Gly; replaces arginine 936 with glycine.
Molecular consequence: missense variant.
Genome position (GRCh38, 1-based): chr15:45,101,838, G>C on the plus strand (C>G on the coding strand, the complement: DUOX2 is on the minus strand). VCF-style: chr15-45101838-G-C. GRCh37 (hg19) VCF-style: chr15-45394036-G-C.
Other names: c.2806C>G, p.Arg936Gly (NM_014080.5); short protein forms R936G.
Identifiers: ClinVar variation 2740630 (VCV002740630.3), dbSNP rs759249545, ClinGen allele CA392266668.

ClinVar aggregate classification (germline): Uncertain significance (1 of 4 stars; one submission).

Submission:

Labcorp Genetics (formerly Invitae), Labcorp
Classification: Uncertain significance. Last evaluated: 2023-12-30. Review status: criteria provided, single submitter. Criteria: Invitae Variant Classification Sherloc (09022015). Collection method: clinical testing. Allele origin: germline.
Comment: This sequence change replaces arginine, which is basic and polar, with glycine, which is neutral and non-polar, at codon 936 of the DUOX2 protein (p.Arg936Gly). This variant is not present in population databases (gnomAD no frequency). This variant has not been reported in the literature in individuals affected with DUOX2-related conditions. Advanced modeling of protein sequence and biophysical properties (such as structural, functional, and spatial information, amino acid conservation, physicochemical variation, residue mobility, and thermodynamic stability) performed at Invitae indicates that this missense variant is not expected to disrupt DUOX2 protein function with a negative predictive value of 80%. In summary, the available evidence is currently insufficient to determine the role of this variant in disease. Therefore, it has been classified as a Variant of Uncertain Significance.